The following is an entry in ClinVar:

ClinVar aggregate classification (germline): Benign/Likely benign. Review status: criteria provided, multiple submitters, no conflicts (2 of 4 stars). 3 submissions from 3 submitters: Benign (1); Likely benign (2). Last evaluated 2025-06-02.

Conditions:
Hereditary cancer-predisposing syndrome. Also called: Neoplastic Syndromes, Hereditary; Tumor predisposition; Hereditary Cancer Syndrome; Hereditary neoplastic syndrome. Identifiers: Orphanet 140162, MedGen C0027672, MeSH D009386, MONDO:0015356.
Tuberous sclerosis 2 (TSC2). Identifiers: Orphanet 805, MedGen C1860707, MONDO:0013199, OMIM 613254.

Submissions (3):

Myriad Genetics, Inc.
Classification: Benign for Tuberous sclerosis 2. Last evaluated: 2025-06-02. Review status: criteria provided, single submitter. Criteria: Myriad Autosomal Dominant, Autosomal Recessive and X-Linked Classification Criteria (2023). Collection method: clinical testing. Allele origin: unknown.
Comment: This variant is considered benign. This variant is a silent/synonymous amino acid change and it is not expected to impact splicing.

Labcorp Genetics (formerly Invitae), Labcorp
Classification: Likely benign for Tuberous sclerosis 2. Last evaluated: 2023-12-10. Review status: criteria provided, single submitter. Criteria: Invitae Variant Classification Sherloc (09022015). Collection method: clinical testing. Allele origin: germline.

Ambry Genetics
Classification: Likely benign for Hereditary cancer-predisposing syndrome. Last evaluated: 2022-08-30. Review status: criteria provided, single submitter. Criteria: Ambry Variant Classification Scheme 2023. Collection method: clinical testing. Allele origin: germline.

NM_000548.5(TSC2):c.4011C>T (p.Ser1337=)

Gene: TSC2 (TSC complex subunit 2; plus strand). Cytogenetic location: 16p13.3.
Variant type: single nucleotide variant.
Coding change: c.4011C>T on transcript NM_000548.5 (MANE Select); coding-DNA position 4011, C replaced by T.
Protein change: p.Ser1337=; no amino-acid change (serine 1337 retained).
Molecular consequence: synonymous variant. On other transcripts: non-coding transcript variant (5).
Genome position (GRCh38, 1-based): chr16:2,084,233, C>T. VCF-style: chr16-2084233-C-T. GRCh37 (hg19) VCF-style: chr16-2134234-C-T.
Other names: c.3810C>T, p.Ser1270= (NM_001077183.3); c.3942C>T, p.Ser1314= (NM_001114382.3); c.3702C>T, p.Ser1234= (NM_001318827.2); c.3666C>T, p.Ser1222= (NM_001318829.2); c.3279C>T, p.Ser1093= (NM_001318831.2); c.3843C>T, p.Ser1281= (NM_001318832.2); c.3813C>T, p.Ser1271= (NM_001363528.2); c.3879C>T, p.Ser1293= (NM_001370404.1); and 26 more.
Identifiers: ClinVar variation 1737020 (VCV001737020.8), dbSNP rs2544254073, ClinGen allele CA493043000.